The following is an entry in ClinVar:

ClinVar aggregate classification (germline): Uncertain significance (1 of 4 stars; one submission).

Allele frequency attached by ClinVar (database versions not stated): gnomAD exomes below 0.00001.
gnomAD v4.1: 2 of 1,612,502 alleles (0.00012%); highest among the groups gnomAD compares: Non-Finnish European, 0.00017%; no homozygotes.

Submission:

Labcorp Genetics (formerly Invitae), Labcorp
Classification: Uncertain significance. Last evaluated: 2021-07-09. Review status: criteria provided, single submitter. Criteria: Invitae Variant Classification Sherloc (09022015). Collection method: clinical testing. Allele origin: germline.
Comment: This sequence change falls in intron 39 of the ATR gene. It does not directly change the encoded amino acid sequence of the ATR protein. It affects a nucleotide within the consensus splice site of the intron. This variant is not present in population databases (ExAC no frequency). This variant has not been reported in the literature in individuals with ATR-related conditions. Nucleotide substitutions within the consensus splice site are a relatively common cause of aberrant splicing (PMID: 17576681, 9536098). Algorithms developed to predict the effect of sequence changes on RNA splicing suggest that this variant is not likely to affect RNA splicing, but this prediction has not been confirmed by published transcriptional studies. In summary, the available evidence is currently insufficient to determine the role of this variant in disease. Therefore, it has been classified as a Variant of Uncertain Significance.

Literature cited by the submitters: PubMed 17576681; PubMed 9536098.

NM_001184.4(ATR):c.6687+6A>G

Gene: ATR (ATR checkpoint kinase; minus strand). Cytogenetic location: 3q23.
Variant type: single nucleotide variant.
Coding change: c.6687+6A>G on transcript NM_001184.4 (MANE Select); 6 bases into the intron after coding-DNA position 6687, A replaced by G.
Molecular consequence: intron variant.
Genome position (GRCh38, 1-based): chr3:142,467,928, T>C on the plus strand (A>G on the coding strand, the complement: ATR is on the minus strand). VCF-style: chr3-142467928-T-C. GRCh37 (hg19) VCF-style: chr3-142186770-T-C.
Other names: c.6495+6A>G (NM_001354579.2).
Identifiers: ClinVar variation 1443952 (VCV001443952.6), dbSNP rs1481971727, ClinGen allele CA546574019.
Genomic context (GRCh38, chr3:142,467,928, plus strand): 5'-AATCTGCTCAAATTATATACATAATTACCCAACATCAGTTTATAAGCACTAAGATTATGA[T>C]AGTACCGGTTTATTGCACAATTCTAGAAGCTTATCTGTTAGGCGAGTTGCATCTCCAACA-3'